The following is an entry in ClinVar:

ClinVar aggregate classification (germline): Uncertain significance. Review status: criteria provided, single submitter (1 of 4 stars). 2 submissions from 2 submitters: Uncertain significance (1). 1 of the submissions does not count toward it. Last evaluated 2017-05-09.

Conditions:
Neuronal ceroid lipofuscinosis. Also called: Neuronal Ceroid Lipofuscinoses. Identifiers: Orphanet 216, Orphanet 79263, MedGen C0027877, MONDO:0016295. Disease mechanism: loss of function.

gnomAD v4.1: 3 of 1,588,626 alleles (0.00019%); highest among the groups gnomAD compares: South Asian, 0.0011%; no homozygotes.

Submissions (2):

GeneDx
Classification: Uncertain significance. Last evaluated: 2017-05-09. Review status: criteria provided, single submitter. Criteria: GeneDx Variant Classification (06012015). Collection method: clinical testing. Allele origin: germline. Affected: yes.
Comment: A variant of uncertain significance has been identified in the CLN5 gene. The P97T variant has not been published as a pathogenic variant, nor has it been reported as a benign variant to our knowledge. The P97T variant is not observed in large population cohorts (Lek et al., 2016; 1000 Genomes Consortium et al., 2015; Exome Variant Server). The P97T variant is a non-conservative amino acid substitution, which is likely to impact secondary protein structure as these residues differ in polarity, charge, size and/or other properties. However, this substitution occurs at a position that is not conserved, and in silico analysis predicts this variant likely does not alter the protein structure/function. Therefore, based on the currently available information, it is unclear whether this variant is a pathogenic variant or a rare benign variant.

Natera, Inc.
Classification: Uncertain significance for Neuronal ceroid lipofuscinosis. Last evaluated: 2021-09-21. Review status: no assertion criteria provided. Collection method: clinical testing. Allele origin: germline. Not counted in ClinVar's aggregate classification.

NM_006493.4(CLN5):c.142C>A (p.Pro48Thr)

Genes: CLN5 (CLN5 lysosomal BMP synthase; plus strand), LOC130009913 (ATAC-STARR-seq lymphoblastoid silent region 5414; plus strand). Cytogenetic location: 13q22.3.
Variant type: single nucleotide variant.
Coding change: c.142C>A on transcript NM_006493.4 (MANE Select); coding-DNA position 142, C replaced by A.
Protein change: p.Pro48Thr; replaces proline 48 with threonine.
Molecular consequence: missense variant.
Genome position (GRCh38, 1-based): chr13:76,992,240, C>A. VCF-style: chr13-76992240-C-A. GRCh37 (hg19) VCF-style: chr13-77566375-C-A.
Other names: c.289C>A (LRG_692t1); c.142C>A, p.Pro48Thr (NM_001366624.2); short protein forms P48T.
Identifiers: ClinVar variation 429507 (VCV000429507.3), dbSNP rs1131691423, ClinGen allele CA388306764.
Genomic context (GRCh38, chr13:76,992,240, plus strand): 5'-TGGGCCCTGGCGCTGCTTTGGCTCGCGGTGGTTCCGGGCTGGTCCCGGGTCTCGGGCATC[C>A]CCTCCCGGCGCCACTGGCCGGTGCCCTACAAGTGAGTGCGGCGGCGCGCGCACTGTCGGG-3'
Protein context (NP_006484.2, residues 38-58): VPGWSRVSGI[Pro48Thr]SRRHWPVPYK